The following is an entry in ClinVar:

NM_001276270.2(MBD4):c.782A>G (p.Asp261Gly)

Gene: MBD4 (methyl-CpG binding domain 4, DNA glycosylase; minus strand). Cytogenetic location: 3q21.3.
Variant type: single nucleotide variant.
Coding change: c.782A>G on transcript NM_001276270.2 (MANE Select); coding-DNA position 782, A replaced by G.
Protein change: p.Asp261Gly; replaces aspartic acid 261 with glycine.
Molecular consequence: missense variant. On other transcripts: intron variant (1).
Genome position (GRCh38, 1-based): chr3:129,436,862, T>C on the plus strand (A>G on the coding strand, the complement: MBD4 is on the minus strand). VCF-style: chr3-129436862-T-C. GRCh37 (hg19) VCF-style: chr3-129155705-T-C.
Other names: c.782A>G, p.Asp261Gly (NM_001276271.2, NM_001276272.2, NM_003925.3); c.247+946A>G (NM_001276273.2); short protein forms D261G.
Identifiers: ClinVar variation 3671940 (VCV003671940.2).

ClinVar aggregate classification (germline): Uncertain significance (1 of 4 stars; one submission).

Submission:

Labcorp Genetics (formerly Invitae), Labcorp
Classification: Uncertain significance. Last evaluated: 2024-06-23. Review status: criteria provided, single submitter. Criteria: Invitae Variant Classification Sherloc (09022015). Collection method: clinical testing. Allele origin: germline.
Comment: This sequence change replaces aspartic acid, which is acidic and polar, with glycine, which is neutral and non-polar, at codon 261 of the MBD4 protein (p.Asp261Gly). This variant is present in population databases (rs757878178, gnomAD 0.003%). This variant has not been reported in the literature in individuals affected with MBD4-related conditions. An algorithm developed to predict the effect of missense changes on protein structure and function (PolyPhen-2) suggests that this variant is likely to be tolerated. In summary, the available evidence is currently insufficient to determine the role of this variant in disease. Therefore, it has been classified as a Variant of Uncertain Significance.